The following is an entry in ClinVar:

NM_007294.4(BRCA1):c.3084_3094del (p.Asn1029fs)

Gene: BRCA1 (BRCA1 DNA repair associated; minus strand). Cytogenetic location: 17q21.31.
Variant type: Deletion.
Coding change: c.3084_3094del on transcript NM_007294.4 (MANE Select); coding-DNA positions 3084 to 3094, 11 bases deleted (TAATAACATTA).
Protein change: p.Asn1029fs; shifts the reading frame from asparagine 1029.
Molecular consequence: frameshift variant. On other transcripts: intron variant (137).
Genome position (GRCh38, 1-based): chr17:43,092,437-43,092,447, TAATGTTATTA deleted on the plus strand (TAATAACATTA on the coding strand, the reverse complement: BRCA1 is on the minus strand). VCF-style (leftmost placement, unchanged base first): chr17-43092436-CTAATGTTATTA-C. GRCh37 (hg19) VCF-style: chr17-41244453-CTAATGTTATTA-C.
Other names: 3203del11; c.3084_3094del11 (NM_007294.3); c.2943_2953del, p.Asn982fs (NM_001407851.1, NM_001407852.1, NM_001407942.1 and 29 more transcripts); c.2871_2881del, p.Asn958fs (NM_001407853.1, NM_001407894.1, NM_001407895.1 and 9 more transcripts); c.3084_3094del, p.Asn1029fs (NM_001407854.1, NM_001407858.1, NM_001407859.1 and 30 more transcripts); c.3081_3091del, p.Asn1028fs (NM_001407860.1, NM_001407861.1, NM_001407587.1 and 22 more transcripts); c.2883_2893del, p.Asn962fs (NM_001407862.1); c.2961_2971del, p.Asn988fs (NM_001407863.1, NM_001407919.1, NM_001407937.1 and 19 more transcripts); and 43 more; short protein forms N1029fs, N982fs, N1002fs, N733fs, N861fs, N901fs, N902fs, N917fs.
Identifiers: ClinVar variation 54768 (VCV000054768.42), dbSNP rs80357647, ClinGen allele CA002023.

ClinVar aggregate classification (germline): Pathogenic. Review status: reviewed by expert panel (3 of 4 stars). 15 submissions from 15 submitters: Pathogenic (1). 14 of the submissions do not count toward it. Last evaluated 2016-09-08.

Conditions:
BRCA1-related disorder. Also called: BRCA1-related condition.
Hereditary cancer-predisposing syndrome. Also called: Tumor predisposition; Neoplastic Syndromes, Hereditary; Hereditary Cancer Syndrome; Hereditary neoplastic syndrome. Identifiers: Orphanet 140162, MedGen C0027672, MeSH D009386, MONDO:0015356.
Hereditary breast ovarian cancer syndrome. Also called: Hereditary breast and ovarian cancer syndrome (HBOC); Hereditary breast and ovarian cancer syndrome; Hereditary breast and ovarian cancer; Hereditary breast and/or ovarian cancer syndrome; Breast and ovarian cancer; BRCA1- and BRCA2-Associated Hereditary Breast and Ovarian Cancer. Identifiers: Orphanet 145, MedGen C0677776, MeSH D061325, MONDO:0003582. Disease mechanism: loss of function.
Breast-ovarian cancer, familial, susceptibility to, 1 (BROVCA1). Also called: OVARIAN CANCER, SUSCEPTIBILITY TO; BRCA1 Hereditary Breast and Ovarian Cancer. Identifiers: Orphanet 145, MedGen C2676676, MONDO:0011450, OMIM 604370. Disease mechanism: loss of function.

Submissions (15):

Evidence-based Network for the Interpretation of Germline Mutant Alleles (ENIGMA)
Classification: Pathogenic for Breast-ovarian cancer, familial, susceptibility to, 1. Last evaluated: 2016-09-08. Review status: reviewed by expert panel. Criteria: ENIGMA BRCA1/2 Classification Criteria (2015). Collection method: curation. Allele origin: germline.
Comment: Variant allele predicted to encode a truncated non-functional protein.

Labcorp Genetics (formerly Invitae), Labcorp
Classification: Pathogenic for Hereditary breast ovarian cancer syndrome. Last evaluated: 2025-05-18. Review status: criteria provided, single submitter. Criteria: Invitae Variant Classification Sherloc (09022015). Collection method: clinical testing. Allele origin: germline. Not counted in ClinVar's aggregate classification.
Comment: This sequence change creates a premature translational stop signal (p.Asn1029Argfs*5) in the BRCA1 gene. It is expected to result in an absent or disrupted protein product. Loss-of-function variants in BRCA1 are known to be pathogenic (PMID: 20104584). This variant is not present in population databases (gnomAD no frequency). This premature translational stop signal has been observed in individual(s) with breast and/or ovarian cancer and triple-negative breast cancer (PMID: 17574839, 23199084, 25452441). It is commonly reported in individuals of Norwegian ancestry (PMID: 17574839, 23199084, 25452441). ClinVar contains an entry for this variant (Variation ID: 54768). For these reasons, this variant has been classified as Pathogenic.

GeneDx
Classification: Pathogenic. Last evaluated: 2023-11-07. Review status: criteria provided, single submitter. Criteria: GeneDx Variant Classification Process June 2021. Collection method: clinical testing. Allele origin: germline. Affected: yes. Not counted in ClinVar's aggregate classification.
Comment: Frameshift variant predicted to result in protein truncation or nonsense mediated decay in a gene for which loss of function is a known mechanism of disease; Not observed at significant frequency in large population cohorts (gnomAD); Truncating variants in this gene are considered pathogenic by a well-established clinical consortium and/or database; Also known as 3203_3213del11; This variant is associated with the following publications: (PMID: 16267036, 23199084, 24312913, 17574839, 11334729, 11720839, 12481264, 25452441, 29339979, 35216584, 34981296)

Clinical Genetics Laboratory, Skane University Hospital Lund
Classification: Pathogenic. Last evaluated: 2023-08-18. Review status: criteria provided, single submitter. Criteria: ACMG Guidelines, 2015. Collection method: clinical testing. Allele origin: germline. Affected: yes. Not counted in ClinVar's aggregate classification.

Revvity Omics, Revvity
Classification: Pathogenic. Last evaluated: 2022-02-10. Review status: criteria provided, single submitter. Criteria: ACMG Guidelines, 2015. Collection method: clinical testing. Allele origin: germline. Not counted in ClinVar's aggregate classification.

Women's Health and Genetics/Laboratory Corporation of America, LabCorp
Classification: Pathogenic for Hereditary breast ovarian cancer syndrome. Last evaluated: 2021-12-02. Review status: criteria provided, single submitter. Criteria: LabCorp Variant Classification Summary - May 2015. Collection method: clinical testing. Allele origin: germline. Not counted in ClinVar's aggregate classification.
Comment: Variant summary: BRCA1 c.3084_3094del11 (p.Asn1029ArgfsX5) results in a premature termination codon, predicted to cause a truncation of the encoded protein or absence of the protein due to nonsense mediated decay, which are commonly known mechanisms for disease. Truncations downstream of this position have been classified as pathogenic by our laboratory. The variant was absent in 251142 control chromosomes and c.3084_3094del11 has been reported in the literature in multiple individuals affected with Hereditary Breast And Ovarian Cancer Syndrome (example: Moller_2001, Judkins_2005, Couch_2015, Grindedal_2017). These data indicate that the variant is very likely to be associated with disease. To our knowledge, no experimental evidence demonstrating an impact on protein function has been reported. Seven ClinVar submitters have assessed this variant after 2014, including one expert panel and one consortium: all submitters have classified the variant as pathogenic. Based on the evidence outlined above, the variant was classified as pathogenic.

Quest Diagnostics Nichols Institute San Juan Capistrano
Classification: Pathogenic. Last evaluated: 2016-09-08. Review status: criteria provided, single submitter. Criteria: Quest Diagnostics criteria. Collection method: clinical testing. Allele origin: germline. Not counted in ClinVar's aggregate classification.

Consortium of Investigators of Modifiers of BRCA1/2 (CIMBA), c/o University of Cambridge
Classification: Pathogenic for Breast-ovarian cancer, familial, susceptibility to, 1. Last evaluated: 2015-10-02. Review status: criteria provided, single submitter. Criteria: CIMBA Mutation Classification guidelines May 2016. Collection method: clinical testing. Allele origin: germline. Not counted in ClinVar's aggregate classification.

Ambry Genetics
Classification: Pathogenic for Hereditary cancer-predisposing syndrome. Last evaluated: 2015-05-15. Review status: criteria provided, single submitter. Criteria: Ambry Autosomal Dominant and X-Linked criteria (10/2015). Collection method: clinical testing. Allele origin: germline. Observed: 1 variant allele. Not counted in ClinVar's aggregate classification.
Comment: The c.3084_3094delTAATAACATTA pathogenic mutation (also known as3203del11), located in coding exon 9 of the BRCA1 gene, results from a deletion of 11 nucleotides between nucleotide positions 3084 and 3094, causing a translational frameshift with a predicted alternate stop codon. Since frameshifts are typically deleterious in nature, this alteration is interpreted as a disease-causing mutation (ACMG Recommendations for Standards for Interpretation and Reporting of Sequence Variations. Revision 2007. Genet Med. 2008;10:294).

Department of Medical Genetics, Oslo University Hospital
Classification: Pathogenic for Breast-ovarian cancer, familial, susceptibility to, 1. Last evaluated: 2015-01-12. Review status: criteria provided, single submitter. Criteria: ACMG Guidelines, 2015. Collection method: clinical testing. Allele origin: germline. Affected: yes. Observed: 43 variant alleles. Not counted in ClinVar's aggregate classification.

PreventionGenetics, part of Exact Sciences
Classification: Pathogenic for BRCA1-related condition. Last evaluated: 2024-03-12. Review status: no assertion criteria provided. Collection method: clinical testing. Allele origin: germline. Not counted in ClinVar's aggregate classification.
Comment: The BRCA1 c.3084_3094del11 variant is predicted to result in a frameshift and premature protein termination (p.Asn1029Argfs*5). In the literature this variant is also referred to as c.3203del11 or c.3084del11. This variant has been reported in individuals with breast and ovarian cancer (Moller et al. 2001. PubMed: 11334729; Moller et al. 2007. PubMed ID: 17574839; Heramb et al. 2018. PubMed ID: 29339979; Janavicius et al. 2010. PubMed ID: 23199084). Of note, this variant has commonly been reported in individuals of Norwegian descent (Moller et al. 2001. PubMed: 11334729; Janavicius et al. 2010. PubMed ID: 23199084; Heramb et al. 2018. PubMed ID: 29339979). This variant has not been reported in a large population database, indicating this variant is rare, and has been reported as pathogenic by multiple laboratories in ClinVar. Frameshift variants in BRCA1 are expected to be pathogenic. This variant is interpreted as pathogenic.

BRCAlab, Lund University
Classification: Pathogenic for Breast-ovarian cancer, familial, susceptibility to, 1. Last evaluated: 2022-08-26. Review status: no assertion criteria provided. Collection method: clinical testing. Allele origin: germline. Affected: yes. Not counted in ClinVar's aggregate classification.

Research Molecular Genetics Laboratory, Women's College Hospital, University of Toronto
Classification: Pathogenic for Hereditary breast ovarian cancer syndrome. Last evaluated: 2014-01-31. Review status: no assertion criteria provided. Collection method: research. Allele origin: germline. Affected: yes. Study: The Canadian Open Genetics Repository (COGR). Not counted in ClinVar's aggregate classification.

Sharing Clinical Reports Project (SCRP)
Classification: Pathogenic for Breast-ovarian cancer, familial 1. Last evaluated: 2012-08-18. Review status: no assertion criteria provided. Collection method: clinical testing. Allele origin: germline. Not counted in ClinVar's aggregate classification.

Breast Cancer Information Core (BIC) (BRCA1)
Classification: Pathogenic for Breast-ovarian cancer, familial 1. Last evaluated: 1999-08-31. Review status: no assertion criteria provided. Collection method: clinical testing. Allele origin: germline. Affected: yes. Observed: 4 variant alleles. Not counted in ClinVar's aggregate classification.

Literature cited by the submitters: PubMed 20104584 (cited by Labcorp Genetics (formerly Invitae), Labcorp); PubMed 17574839 (cited by Labcorp Genetics (formerly Invitae), Labcorp and Quest Diagnostics Nichols Institute San Juan Capistrano); PubMed 23199084 (cited by Labcorp Genetics (formerly Invitae), Labcorp); PubMed 25452441 (cited by Labcorp Genetics (formerly Invitae), Labcorp and Women's Health and Genetics/Laboratory Corporation of America, LabCorp); PubMed 16267036 (cited by Women's Health and Genetics/Laboratory Corporation of America, LabCorp); PubMed 28637432 (cited by Women's Health and Genetics/Laboratory Corporation of America, LabCorp); PubMed 11720839 (cited by Women's Health and Genetics/Laboratory Corporation of America, LabCorp and Quest Diagnostics Nichols Institute San Juan Capistrano); PubMed 11334729 (cited by Quest Diagnostics Nichols Institute San Juan Capistrano).